The following is an entry in ClinVar:

NM_003680.4(YARS1):c.57+1G>T

Genes: S100PBP (S100P binding protein; plus strand), YARS1 (tyrosyl-tRNA synthetase 1; minus strand). Cytogenetic location: 1p35.1.
Variant type: single nucleotide variant.
Coding change: c.57+1G>T on transcript NM_003680.4 (MANE Select); the canonical splice donor site of the intron after coding-DNA position 57, G replaced by T.
Molecular consequence: splice donor variant.
Genome position (GRCh38, 1-based): chr1:32,817,187, C>A on the plus strand (G>T on the coding strand, the complement: YARS1 is on the minus strand). VCF-style: chr1-32817187-C-A. GRCh37 (hg19) VCF-style: chr1-33282788-C-A.
Identifiers: ClinVar variation 2134126 (VCV002134126.4), dbSNP rs1309507387, ClinGen allele CA339688941.

ClinVar aggregate classification (germline): Uncertain significance (1 of 4 stars; one submission).

Conditions:
Charcot-Marie-Tooth disease dominant intermediate C (CMTDIC). Also called: CHARCOT-MARIE-TOOTH NEUROPATHY, DOMINANT INTERMEDIATE C. Identifiers: Orphanet 100045, MedGen C1842237, MONDO:0012012, OMIM 608323.

Allele frequency attached by ClinVar (database versions not stated): gnomAD exomes below 0.00001.
gnomAD v4.1: 1 of 1,614,196 alleles (0.000062%); highest among the groups gnomAD compares: Non-Finnish European, 0.000085%; no homozygotes.

Submission:

Labcorp Genetics (formerly Invitae), Labcorp
Classification: Uncertain significance for Charcot-Marie-Tooth disease dominant intermediate C. Last evaluated: 2023-08-24. Review status: criteria provided, single submitter. Criteria: Invitae Variant Classification Sherloc (09022015). Collection method: clinical testing. Allele origin: germline.
Comment: This sequence change affects a donor splice site in intron 1 of the YARS gene. It is expected to disrupt RNA splicing. Variants that disrupt the donor or acceptor splice site typically lead to a loss of protein function (PMID: 16199547), however the current clinical and genetic evidence is not sufficient to establish whether loss-of-function variants in YARS cause disease. In summary, the available evidence is currently insufficient to determine the role of this variant in disease. Therefore, it has been classified as a Variant of Uncertain Significance. Algorithms developed to predict the effect of sequence changes on RNA splicing suggest that this variant may disrupt the consensus splice site. ClinVar contains an entry for this variant (Variation ID: 2134126). This variant has not been reported in the literature in individuals affected with YARS-related conditions. This variant is not present in population databases (gnomAD no frequency).

Literature cited by the submitters: PubMed 16199547.